The following is an entry in ClinVar:

NM_025150.5(TARS2):c.513-3C>A

Gene: TARS2 (threonyl-tRNA synthetase 2, mitochondrial; plus strand). Cytogenetic location: 1q21.2.
Variant type: single nucleotide variant.
Coding change: c.513-3C>A on transcript NM_025150.5 (MANE Select); 3 bases into the intron before coding-DNA position 513, C replaced by A.
Molecular consequence: intron variant.
Genome position (GRCh38, 1-based): chr1:150,491,391, C>A. VCF-style: chr1-150491391-C-A. GRCh37 (hg19) VCF-style: chr1-150463867-C-A.
Other names: c.513-3C>A (NM_001271895.2, NM_001271896.2).
Identifiers: ClinVar variation 1505559 (VCV001505559.6), dbSNP rs1437741036, ClinGen allele CA526260521.
Genomic context (GRCh38, chr1:150,491,391, plus strand): 5'-TGTGTCACCCAGGTGATTGATGCACCTCATAGGATGCAACCCAACCAATTCTCCTCTTTC[C>A]AGGACAATCCGGGGCTCAGAGCTGCCTGTTTTGGAGCGGATTTGCCAGGAACTTACAGCT-3'

ClinVar aggregate classification (germline): Uncertain significance (1 of 4 stars; one submission).

Allele frequency attached by ClinVar (database versions not stated): TOPMed below 0.00001; gnomAD exomes 0.00001.
gnomAD v4.1: 7 of 1,612,528 alleles (0.00043%); highest among the groups gnomAD compares: Non-Finnish European, 0.00059%; no homozygotes.

Submission:

Labcorp Genetics (formerly Invitae), Labcorp
Classification: Uncertain significance. Last evaluated: 2025-07-10. Review status: criteria provided, single submitter. Criteria: Invitae Variant Classification Sherloc (09022015). Collection method: clinical testing. Allele origin: germline.
Comment: This sequence change falls in intron 4 of the TARS2 gene. It does not directly change the encoded amino acid sequence of the TARS2 protein. It affects a nucleotide within the consensus splice site. This variant is present in population databases (no rsID available, gnomAD 0.003%). This variant has not been reported in the literature in individuals affected with TARS2-related conditions. ClinVar contains an entry for this variant (Variation ID: 1505559). Variants that disrupt the consensus splice site are a relatively common cause of aberrant splicing (PMID: 17576681, 9536098). Algorithms developed to predict the effect of sequence changes on RNA splicing suggest that this variant may disrupt the consensus splice site. In summary, the available evidence is currently insufficient to determine the role of this variant in disease. Therefore, it has been classified as a Variant of Uncertain Significance.

Literature cited by the submitters: PubMed 17576681; PubMed 9536098.